The following is an entry in ClinVar:

ClinVar aggregate classification (germline): Uncertain significance. Review status: criteria provided, multiple submitters, no conflicts (2 of 4 stars). 3 submissions from 3 submitters: Uncertain significance (3). Last evaluated 2023-04-28.

Conditions:
Inborn genetic diseases. Identifiers: MedGen C0950123, MeSH D030342.
Autosomal recessive limb-girdle muscular dystrophy type 2P. Also called: Limb-Girdle Muscular Dystrophy Type 9C; MUSCULAR DYSTROPHY-DYSTROGLYCANOPATHY, LIMB-GIRDLE, DAG1-RELATED; MUSCULAR DYSTROPHY, LIMB-GIRDLE, TYPE 2P. Identifiers: Orphanet 280333, MedGen C4511963, MONDO:0013440, OMIM 613818.
Muscular dystrophy-dystroglycanopathy (congenital with brain and eye anomalies), type A9. Also called: WALKER-WARBURG SYNDROME OR MUSCLE-EYE BRAIN DISEASE, DAG1-RELATED; Muscular dystrophy-dystroglycanopathy (congenital with brain and eye anomalies), type a, 9. Identifiers: Orphanet 370997, Orphanet 899, MedGen C4225291, MONDO:0014683, OMIM 616538.

Allele frequency attached by ClinVar (database versions not stated): ExAC 0.00002; gnomAD exomes 0.00003; ESP Exome Variant Server 0.00008; gnomAD 0.00004; TOPMed 0.00005.
gnomAD v4.1: 47 of 1,614,000 alleles (0.0029%); highest among the groups gnomAD compares: African/African-American, 0.0013%; no homozygotes.

Submissions (3):

Labcorp Genetics (formerly Invitae), Labcorp
Classification: Uncertain significance for Autosomal recessive limb-girdle muscular dystrophy type 2P; Muscular dystrophy-dystroglycanopathy (congenital with brain and eye anomalies), type A9. Last evaluated: 2023-04-28. Review status: criteria provided, single submitter. Criteria: Invitae Variant Classification Sherloc (09022015). Collection method: clinical testing. Allele origin: germline.
Comment: Advanced modeling of protein sequence and biophysical properties (such as structural, functional, and spatial information, amino acid conservation, physicochemical variation, residue mobility, and thermodynamic stability) performed at Invitae indicates that this missense variant is not expected to disrupt DAG1 protein function. ClinVar contains an entry for this variant (Variation ID: 943130). This variant has not been reported in the literature in individuals affected with DAG1-related conditions. This variant is present in population databases (rs202239406, gnomAD 0.1%). This sequence change replaces alanine, which is neutral and non-polar, with serine, which is neutral and polar, at codon 279 of the DAG1 protein (p.Ala279Ser). In summary, the available evidence is currently insufficient to determine the role of this variant in disease. Therefore, it has been classified as a Variant of Uncertain Significance.

Revvity Omics, Revvity
Classification: Uncertain significance. Last evaluated: 2022-10-11. Review status: criteria provided, single submitter. Criteria: ACMG Guidelines, 2015. Collection method: clinical testing. Allele origin: germline.

Ambry Genetics
Classification: Uncertain significance for Inborn genetic diseases. Last evaluated: 2022-08-05. Review status: criteria provided, single submitter. Criteria: Ambry Variant Classification Scheme 2023. Collection method: clinical testing. Allele origin: germline.

NM_004393.6(DAG1):c.835G>T (p.Ala279Ser)

Gene: DAG1 (dystroglycan 1; plus strand). Cytogenetic location: 3p21.31.
Variant type: single nucleotide variant.
Coding change: c.835G>T on transcript NM_004393.6 (MANE Select); coding-DNA position 835, G replaced by T.
Protein change: p.Ala279Ser; replaces alanine 279 with serine.
Molecular consequence: missense variant.
Genome position (GRCh38, 1-based): chr3:49,531,346, G>T. VCF-style: chr3-49531346-G-T. GRCh37 (hg19) VCF-style: chr3-49568779-G-T.
Other names: c.835G>T, p.Ala279Ser (NM_001165928.4, NM_001177634.3, NM_001177635.3 and 9 more transcripts); c.835G>T (NM_004393.4); short protein forms A279S.
Identifiers: ClinVar variation 943130 (VCV000943130.8), dbSNP rs202239406, ClinGen allele CA2398967.
Genomic context (GRCh38, chr3:49,531,346, plus strand): 5'-TCCTGGAAGCTGGGCTGCTCCCTGAACCAGAACAGTGTGCCTGACATTCATGGTGTAGAG[G>T]CCCCTGCCAGGGAGGGCGCAATGTCTGCTCAGCTTGGCTACCCTGTGGTGGGTTGGCACA-3'
Protein context (NP_004384.5, residues 269-289): NSVPDIHGVE[Ala279Ser]PAREGAMSAQ